The following is an entry in ClinVar:

NM_000318.3(PEX2):c.314G>A (p.Trp105Ter)

Gene: PEX2 (peroxisomal biogenesis factor 2; minus strand). Cytogenetic location: 8q21.13.
Variant type: single nucleotide variant.
Coding change: c.314G>A on transcript NM_000318.3 (MANE Select); coding-DNA position 314, G replaced by A.
Protein change: p.Trp105Ter; replaces tryptophan 105 with a stop codon.
Molecular consequence: nonsense.
Genome position (GRCh38, 1-based): chr8:76,983,865, C>T on the plus strand (G>A on the coding strand, the complement: PEX2 is on the minus strand). VCF-style: chr8-76983865-C-T. GRCh37 (hg19) VCF-style: chr8-77896101-C-T.
Other names: c.314G>A (NM_000318.2); c.314G>A, p.Trp105Ter (NM_001079867.2, NM_001172086.2, NM_001172087.2); short protein forms W105*.
Identifiers: ClinVar variation 2160134 (VCV002160134.8), dbSNP rs1011185031, ClinGen allele CA179988274.

ClinVar aggregate classification (germline): Pathogenic/Likely pathogenic. Review status: criteria provided, multiple submitters, no conflicts (2 of 4 stars). 5 submissions from 5 submitters: Pathogenic (1); Likely pathogenic (4). Last evaluated 2026-07-01.

Conditions:
Zellweger spectrum disorders (ZS). Also called: Zellweger syndrome; Zellweger Spectrum Disorder (ZSD); Zellweger Spectrum Disorder; Zellweger Spectrum. Identifiers: Orphanet 912, MedGen C0043459, MONDO:0019609.
Peroxisome biogenesis disorder 5A (Zellweger) (PBD5A). Identifiers: Orphanet 912, MedGen C3553940, MONDO:0013932, OMIM 614866.
PEX2-related disorder. Also called: PEX2-related condition.
Peroxisome biogenesis disorder 5B (PBD5B). Identifiers: Orphanet 44, MedGen C3542026, MONDO:0013933, OMIM 614867.

Allele frequency attached by ClinVar (database versions not stated): gnomAD exomes below 0.00001; TOPMed below 0.00001.
gnomAD v4.1: 2 of 1,614,074 alleles (0.00012%); highest among the groups gnomAD compares: Admixed American, 0.0033%; no homozygotes.

Submissions (5):

PreventionGenetics, part of Exact Sciences
Classification: Likely pathogenic for PEX2-related condition. Last evaluated: 2026-07-01. Review status: criteria provided, single submitter. Criteria: ACMG Guidelines, 2015. Collection method: clinical testing. Allele origin: germline.
Comment: The PEX2 c.314G>A variant is predicted to result in premature protein termination (p.Trp105*). This variant resides in the final exon of this gene, and it is unclear if the resulting mRNA would undergo nonsense-mediated decay; however, it is expected to disrupt the last 201 amino acids of the PEX2-protein. To our knowledge, this variant has not been reported in the literature. Downsteam variants (p.Arg119* and p.Arg125*) have been reported in the homozygous and compound heterozygous state as pathogenic in individuals with PEX2-related disorders (Shimozawa et al. 1992. PubMed ID: 1546315; Shimozawa et al. 1998. PubMed ID: 9452066; Shimozawa et al. 1999. PubMed ID: 10528859; Dranchak et al. 2011. PubMed ID: 21465523). This variant is reported in 0.0029% of alleles in individuals of Latino descent in gnomAD and is interpreted as likely pathogenic/pathogenic in the ClinVar database (Variation ID: 2160134 ). Nonsense variants in PEX2 are expected to be pathogenic. This variant is interpreted as likely pathogenic.

Natera, Inc.
Classification: Likely pathogenic for Zellweger syndrome. Last evaluated: 2024-12-02. Review status: criteria provided, single submitter. Criteria: Natera Variant Classification Schema (03/2026). Collection method: clinical testing. Allele origin: germline.
Comment: The c.314G>A variant in PEX2 is a nonsense variant predicted to introduce a stop codon at amino acid 105. This variant is expected to result in nonsense mediated decay, truncation, or a dysfunctional protein product. This variant is rare in the general population with a frequency below the threshold expected for the associated phenotype(s). Given the available evidence, this variant is classified as Likely Pathogenic.

Fulgent Genetics
Classification: Likely pathogenic for Peroxisome biogenesis disorder 5A (Zellweger); Peroxisome biogenesis disorder 5B. Last evaluated: 2024-04-11. Review status: criteria provided, single submitter. Criteria: ACMG Guidelines, 2015. Collection method: clinical testing. Allele origin: germline.

Labcorp Genetics (formerly Invitae), Labcorp
Classification: Pathogenic for Peroxisome biogenesis disorder 5A (Zellweger). Last evaluated: 2023-10-03. Review status: criteria provided, single submitter. Criteria: Invitae Variant Classification Sherloc (09022015). Collection method: clinical testing. Allele origin: germline.
Comment: This sequence change creates a premature translational stop signal (p.Trp105*) in the PEX2 gene. While this is not anticipated to result in nonsense mediated decay, it is expected to disrupt the last 201 amino acid(s) of the PEX2 protein. This variant is present in population databases (no rsID available, gnomAD 0.003%). This variant has not been reported in the literature in individuals affected with PEX2-related conditions. ClinVar contains an entry for this variant (Variation ID: 2160134). This variant disrupts a region of the PEX2 protein in which other variant(s) (p.Arg119*) have been determined to be pathogenic (PMID: 1546315, 9452066, 10528859, 21465523). This suggests that this is a clinically significant region of the protein, and that variants that disrupt it are likely to be disease-causing. For these reasons, this variant has been classified as Pathogenic.

Baylor Genetics
Classification: Likely pathogenic for Peroxisome biogenesis disorder 5A (Zellweger). Last evaluated: 2022-08-02. Review status: criteria provided, single submitter. Criteria: ACMG Guidelines, 2015. Collection method: clinical testing. Allele origin: unknown.

Literature cited by the submitters: PubMed 1546315 (cited by Labcorp Genetics (formerly Invitae), Labcorp); PubMed 9452066 (cited by Labcorp Genetics (formerly Invitae), Labcorp); PubMed 10528859 (cited by Labcorp Genetics (formerly Invitae), Labcorp); PubMed 21465523 (cited by Labcorp Genetics (formerly Invitae), Labcorp).